The following is an entry in ClinVar:

ClinVar aggregate classification (germline): Uncertain significance (1 of 4 stars; one submission).

gnomAD v4.1: 1 of 1,613,956 alleles (0.000062%); highest among the groups gnomAD compares: Non-Finnish European, 0.000085%; no homozygotes.

Submission:

Women's Health and Genetics/Laboratory Corporation of America, LabCorp
Classification: Uncertain significance. Last evaluated: 2024-08-14. Review status: criteria provided, single submitter. Criteria: LabCorp Variant Classification Summary - May 2015. Collection method: clinical testing. Allele origin: germline.
Comment: Variant summary: ABCA12 c.7172G>C (p.Ser2391Thr) results in a conservative amino acid change located in the ABC transporter-like, ATP-binding domain (IPR003439) of the encoded protein sequence. Four of five in-silico tools predict a damaging effect of the variant on protein function. The variant was absent in 251164 control chromosomes. The available data on variant occurrences in the general population are insufficient to allow any conclusion about variant significance. To our knowledge, no occurrence of c.7172G>C in individuals affected with Lamellar Ichthyosis and no experimental evidence demonstrating its impact on protein function have been reported. No submitters have cited clinical-significance assessments for this variant to ClinVar. Based on the evidence outlined above, the variant was classified as uncertain significance.

NM_173076.3(ABCA12):c.7172G>C (p.Ser2391Thr)

Genes: ABCA12 (ATP binding cassette subfamily A member 12; minus strand), SNHG31 (small nucleolar RNA host gene 31; plus strand). Cytogenetic location: 2q35.
Variant type: single nucleotide variant.
Coding change: c.7172G>C on transcript NM_173076.3 (MANE Select); coding-DNA position 7172, G replaced by C.
Protein change: p.Ser2391Thr; replaces serine 2391 with threonine.
Molecular consequence: missense variant. On other transcripts: non-coding transcript variant (1).
Genome position (GRCh38, 1-based): chr2:214,947,489, C>G on the plus strand (G>C on the coding strand, the complement: ABCA12 is on the minus strand). VCF-style: chr2-214947489-C-G. GRCh37 (hg19) VCF-style: chr2-215812213-C-G.
Other names: c.6218G>C, p.Ser2073Thr (NM_015657.4); short protein forms S2073T, S2391T.
Identifiers: ClinVar variation 3366802 (VCV003366802.1).